The following is an entry in ClinVar:

ClinVar aggregate classification (germline): Benign/Likely benign. Review status: criteria provided, multiple submitters, no conflicts (2 of 4 stars). 8 submissions from 8 submitters: Benign (2); Likely benign (3). 3 of the submissions do not count toward it. Last evaluated 2026-01-27.

Conditions:
COL17A1-related disorder. Also called: COL17A1-related condition.
Junctional epidermolysis bullosa, non-Herlitz type. Also called: Adult junctional epidermolysis bullosa; COL17A1-Related Junctional Epidermolysis Bullosa; Epidermolysis bullosa, junctional, non-herlitz type, somatic mosaic revertant; EPIDERMOLYSIS BULLOSA, JUNCTIONAL 1A, INTERMEDIATE; EPIDERMOLYSIS BULLOSA JUNCTIONALIS, DISENTIS TYPE; EPIDERMOLYSIS BULLOSA JUNCTIONALIS, NON-HERLITZ TYPE. Identifiers: Orphanet 251393, Orphanet 79402, Orphanet 79405, Orphanet 89840, MedGen C0268374, MONDO:0009180, OMIM 226650.

Allele frequency attached by ClinVar (database versions not stated): 1000 Genomes Project 0.00240; gnomAD 0.00265 and 0.00277; 1000 Genomes Project 30x 0.00297; TOPMed 0.00300; ESP Exome Variant Server 0.00354.
gnomAD v4.1: 5,810 of 1,613,864 alleles (0.36%); highest among the groups gnomAD compares: Middle Eastern, 0.97%; 42 homozygotes.

Submissions (8):

Labcorp Genetics (formerly Invitae), Labcorp
Classification: Benign. Last evaluated: 2026-01-27. Review status: criteria provided, single submitter. Criteria: Invitae Variant Classification Sherloc (09022015). Collection method: clinical testing. Allele origin: germline.

CeGaT Center for Human Genetics Tuebingen
Classification: Benign. Last evaluated: 2024-04-01. Review status: criteria provided, single submitter. Criteria: CeGaT Center For Human Genetics Tuebingen Variant Classification Criteria Version 2. Collection method: clinical testing. Allele origin: germline. Affected: yes. Observed: 4 variant alleles.
Comment: COL17A1: BP4, BS1, BS2

Department of Pathology and Laboratory Medicine, Sinai Health System
Classification: Likely benign for junctional epidermolysis bullosa, non-Herlitz type. Last evaluated: 2021-07-30. Review status: criteria provided, single submitter. Criteria: ACMG Guidelines, 2015. Collection method: research. Allele origin: germline.

Illumina Laboratory Services, Illumina
Classification: Likely benign for Junctional epidermolysis bullosa, non-Herlitz type. Last evaluated: 2018-01-12. Review status: criteria provided, single submitter. Criteria: ICSL Variant Classification Criteria 13 December 2019. Collection method: clinical testing. Allele origin: germline.
Comment: This variant was observed in the ICSL laboratory as part of a predisposition screen in an ostensibly healthy population. It had not been previously curated by ICSL or reported in the Human Gene Mutation Database (HGMD: prior to June 1st, 2018), and was therefore a candidate for classification through an automated scoring system. Utilizing variant allele frequency, disease prevalence and penetrance estimates, and inheritance mode, an automated score was calculated to assess if this variant is too frequent to cause the disease. Based on the score and internal cut-off values, a variant classified as likely benign is not then subjected to further curation. The score for this variant resulted in a classification of likely benign for this disease.

Breakthrough Genomics
Classification: Likely benign. Review status: criteria provided, single submitter. Criteria: ACMG Guidelines, 2015. Collection method: not provided. Allele origin: germline. Inheritance: Autosomal recessive inheritance. Affected: yes.

PreventionGenetics, part of Exact Sciences
Classification: Benign for COL17A1-related condition. Last evaluated: 2019-04-05. Review status: no assertion criteria provided. Collection method: clinical testing. Allele origin: germline. Not counted in ClinVar's aggregate classification.
Comment: This variant is classified as benign based on ACMG/AMP sequence variant interpretation guidelines (Richards et al. 2015 PMID: 25741868, with internal and published modifications).

Clinical Genetics DNA and cytogenetics Diagnostics Lab, Erasmus MC, Erasmus Medical Center
Classification: Likely benign. Review status: no assertion criteria provided. Collection method: clinical testing. Allele origin: germline. Affected: yes. Study: VKGL Data-share Consensus. Not counted in ClinVar's aggregate classification.

Laboratory of Diagnostic Genome Analysis, Leiden University Medical Center (LUMC)
Classification: Likely benign. Review status: no assertion criteria provided. Collection method: clinical testing. Allele origin: germline. Affected: yes. Study: VKGL Data-share Consensus. Not counted in ClinVar's aggregate classification.

NM_000494.4(COL17A1):c.4304C>T (p.Ala1435Val)

Gene: COL17A1 (collagen type XVII alpha 1 chain; minus strand). Cytogenetic location: 10q25.1.
Variant type: single nucleotide variant.
Coding change: c.4304C>T on transcript NM_000494.4 (MANE Select); coding-DNA position 4304, C replaced by T.
Protein change: p.Ala1435Val; replaces alanine 1435 with valine.
Molecular consequence: missense variant.
Genome position (GRCh38, 1-based): chr10:104,032,959, G>A on the plus strand (C>T on the coding strand, the complement: COL17A1 is on the minus strand). VCF-style: chr10-104032959-G-A. GRCh37 (hg19) VCF-style: chr10-105792717-G-A.
Other names: c.4304C>T, p.Ala1435Val (LRG_1249t1); short protein forms A1435V.
Identifiers: ClinVar variation 298683 (VCV000298683.47), dbSNP rs146841330, ClinGen allele CA5677630.